The following is an entry in ClinVar:

NM_080680.3(COL11A2):c.2417G>A (p.Arg806His)

Gene: COL11A2 (collagen type XI alpha 2 chain; minus strand). Cytogenetic location: 6p21.32.
Variant type: single nucleotide variant.
Coding change: c.2417G>A on transcript NM_080680.3 (MANE Select); coding-DNA position 2417, G replaced by A.
Protein change: p.Arg806His; replaces arginine 806 with histidine.
Molecular consequence: missense variant.
Genome position (GRCh38, 1-based): chr6:33,174,540, C>T on the plus strand (G>A on the coding strand, the complement: COL11A2 is on the minus strand). VCF-style: chr6-33174540-C-T. GRCh37 (hg19) VCF-style: chr6-33142317-C-T.
Other names: c.2096G>A, p.Arg699His (NM_080679.3); c.2159G>A, p.Arg720His (NM_080681.3); short protein forms R699H, R720H, R806H.
Identifiers: ClinVar variation 1595109 (VCV001595109.40), dbSNP rs200552277, ClinGen allele CA3750917.

ClinVar aggregate classification (germline): Conflicting classifications of pathogenicity. Review status: criteria provided, conflicting classifications (1 of 4 stars). 7 submissions from 7 submitters: Uncertain significance (6); Likely benign (1). Last evaluated 2025-12-29.

Conditions:
COL11A2-related disorder. Also called: COL11A2-related condition; COL11A2-related disorders.
Inborn genetic diseases. Identifiers: MedGen C0950123, MeSH D030342.

Allele frequency attached by ClinVar (database versions not stated): gnomAD 0.00009 and 0.00010; gnomAD exomes 0.00016; ExAC 0.00023.
gnomAD v4.1: 116 of 1,612,478 alleles (0.0072%); highest among the groups gnomAD compares: Non-Finnish European, 0.0085%; no homozygotes.

Submissions (7):

PreventionGenetics, part of Exact Sciences
Classification: Uncertain significance for COL11A2-related condition. Last evaluated: 2025-12-29. Review status: criteria provided, single submitter. Criteria: ACMG Guidelines, 2015. Collection method: clinical testing. Allele origin: germline.
Comment: The COL11A2 c.2417G>A variant is predicted to result in the amino acid substitution p.Arg806His. To our knowledge, this variant has not been reported in the literature. This variant is reported in 0.029% of alleles in individuals of European (Non-Finnish) descent in gnomAD. At this time, the clinical significance of this variant is uncertain due to the absence of conclusive functional and genetic evidence.

Labcorp Genetics (formerly Invitae), Labcorp
Classification: Likely benign. Last evaluated: 2025-09-15. Review status: criteria provided, single submitter. Criteria: Invitae Variant Classification Sherloc (09022015). Collection method: clinical testing. Allele origin: germline.

Ambry Genetics
Classification: Uncertain significance for Inborn genetic diseases. Last evaluated: 2025-09-01. Review status: criteria provided, single submitter. Criteria: Ambry Variant Classification Scheme 2023. Collection method: clinical testing. Allele origin: germline.

Women's Health and Genetics/Laboratory Corporation of America, LabCorp
Classification: Uncertain significance. Last evaluated: 2025-04-02. Review status: criteria provided, single submitter. Criteria: LabCorp Variant Classification Summary - May 2015. Collection method: clinical testing. Allele origin: germline.
Comment: Variant summary: COL11A2 c.2417G>A (p.Arg806His) results in a non-conservative amino acid change in the encoded protein sequence. Five of five in-silico tools predict a damaging effect of the variant on protein function. The variant allele was found at a frequency of 0.00016 in 246162 control chromosomes. This frequency is not significantly higher than estimated for a pathogenic variant in COL11A2 causing COL11A2-Related Disorders, allowing no conclusion about variant significance. To our knowledge, no occurrence of c.2417G>A in individuals affected with COL11A2-Related Disorders and no experimental evidence demonstrating its impact on protein function have been reported. ClinVar contains an entry for this variant (Variation ID: 1595109). Based on the evidence outlined above, the variant was classified as uncertain significance.

GeneDx
Classification: Uncertain significance. Last evaluated: 2024-12-09. Review status: criteria provided, single submitter. Criteria: GeneDx Variant Classification Process June 2021. Collection method: clinical testing. Allele origin: germline. Affected: yes.
Comment: Has not been previously published as pathogenic or benign to our knowledge; In silico analysis supports that this missense variant has a deleterious effect on protein structure/function

Blueprint Genetics
Classification: Uncertain significance. Last evaluated: 2023-03-31. Review status: criteria provided, single submitter. Criteria: ACMG Guidelines, 2015. Collection method: clinical testing. Allele origin: germline.

CeGaT Center for Human Genetics Tuebingen
Classification: Uncertain significance. Last evaluated: 2022-07-01. Review status: criteria provided, single submitter. Criteria: CeGaT Center For Human Genetics Tuebingen Variant Classification Criteria Version 2. Collection method: clinical testing. Allele origin: germline. Affected: yes. Observed: 1 variant allele.